The following is an entry in ClinVar:

ClinVar aggregate classification (germline): Benign/Likely benign. Review status: criteria provided, multiple submitters, no conflicts (2 of 4 stars). 4 submissions from 4 submitters: Benign (1); Likely benign (3). Last evaluated 2025-12-26.

Allele frequency attached by ClinVar (database versions not stated): gnomAD 0.00338 and 0.00317; TOPMed 0.00360; 1000 Genomes Project 0.00419; 1000 Genomes Project 30x 0.00422; ESP Exome Variant Server 0.00431; gnomAD exomes 0.00031 and 0.00088; ExAC 0.00113.
gnomAD v4.1: 966 of 1,612,730 alleles (0.06%); highest among the groups gnomAD compares: African/African-American, 1.1%; 3 homozygotes.

Submissions (4):

Labcorp Genetics (formerly Invitae), Labcorp
Classification: Benign. Last evaluated: 2025-12-26. Review status: criteria provided, single submitter. Criteria: Invitae Variant Classification Sherloc (09022015). Collection method: clinical testing. Allele origin: germline.

Blueprint Genetics
Classification: Likely benign. Last evaluated: 2024-11-11. Review status: criteria provided, single submitter. Criteria: ACMG Guidelines, 2015. Collection method: clinical testing. Allele origin: germline.

CeGaT Center for Human Genetics Tuebingen
Classification: Likely benign. Last evaluated: 2024-04-01. Review status: criteria provided, single submitter. Criteria: CeGaT Center For Human Genetics Tuebingen Variant Classification Criteria Version 2. Collection method: clinical testing. Allele origin: germline. Affected: yes. Observed: 1 variant allele.
Comment: TRIP4: BP4, BP7, BS1

GeneDx
Classification: Likely benign. Last evaluated: 2020-10-16. Review status: criteria provided, single submitter. Criteria: GeneDx Variant Classification Process June 2021. Collection method: clinical testing. Allele origin: germline. Affected: yes.

NM_016213.5(TRIP4):c.1194C>T (p.Ala398=)

Gene: TRIP4 (thyroid hormone receptor interactor 4; plus strand). Cytogenetic location: 15q22.31.
Variant type: single nucleotide variant.
Coding change: c.1194C>T on transcript NM_016213.5 (MANE Select); coding-DNA position 1194, C replaced by T.
Protein change: p.Ala398=; no amino-acid change (alanine 398 retained).
Molecular consequence: synonymous variant. On other transcripts: non-coding transcript variant (1).
Genome position (GRCh38, 1-based): chr15:64,418,564, C>T. VCF-style: chr15-64418564-C-T. GRCh37 (hg19) VCF-style: chr15-64710763-C-T.
Other names: c.504C>T, p.Ala168= (NM_001321924.2).
Identifiers: ClinVar variation 727406 (VCV000727406.33), dbSNP rs61738389, ClinGen allele CA7609594.